The following is an entry in ClinVar:

NM_198525.3(KIF7):c.50G>A (p.Arg17Gln)

Gene: KIF7 (kinesin family member 7; minus strand). Cytogenetic location: 15q26.1.
Variant type: single nucleotide variant.
Coding change: c.50G>A on transcript NM_198525.3 (MANE Select); coding-DNA position 50, G replaced by A.
Protein change: p.Arg17Gln; replaces arginine 17 with glutamine.
Molecular consequence: missense variant.
Genome position (GRCh38, 1-based): chr15:89,652,881, C>T on the plus strand (G>A on the coding strand, the complement: KIF7 is on the minus strand). VCF-style: chr15-89652881-C-T. GRCh37 (hg19) VCF-style: chr15-90196112-C-T.
Other names: short protein forms R17Q.
Identifiers: ClinVar variation 1024840 (VCV001024840.15), dbSNP rs949983017, ClinGen allele CA274584544.

ClinVar aggregate classification (germline): Conflicting classifications of pathogenicity. Review status: criteria provided, conflicting classifications (1 of 4 stars). 7 submissions from 7 submitters: Uncertain significance (5); Likely benign (2). Last evaluated 2024-09-20.

Conditions:
Acrocallosal syndrome (ACLS). Also called: HALLUX DUPLICATION, POSTAXIAL POLYDACTYLY, AND ABSENCE OF CORPUS CALLOSUM; Schinzel syndrome 1; Absence of corpus callosum with unusual facial appearance, mental deficiency, duplication of the halluces and polydactyly. Identifiers: Orphanet 36, MedGen C0796147, MONDO:0008708, OMIM 200990.
Multiple epiphyseal dysplasia, Al-Gazali type. Also called: Macrocephaly with multiple epiphyseal dysplasia and distinctive facies. Identifiers: Orphanet 166024, MedGen C1846722, MONDO:0011778, OMIM 607131.
Hydrolethalus syndrome 2 (HLS2). Identifiers: Orphanet 2189, MedGen C3279899, MONDO:0013585, OMIM 614120.
Inborn genetic diseases. Identifiers: MedGen C0950123, MeSH D030342.

Allele frequency attached by ClinVar (database versions not stated): gnomAD 0.00004 and 0.00005; TOPMed 0.00004; gnomAD exomes 0.00010.
gnomAD v4.1: 48 of 1,540,194 alleles (0.0031%); highest among the groups gnomAD compares: Admixed American, 0.065%; no homozygotes.

Submissions (7):

3billion
Classification: Likely benign for Multiple epiphyseal dysplasia, Al-Gazali type; Hydrolethalus syndrome 2; Acrocallosal syndrome. Last evaluated: 2024-09-20. Review status: criteria provided, single submitter. Criteria: ACMG Guidelines, 2015. Collection method: clinical testing. Allele origin: germline. Affected: no.
Comment: The homozygous variant was found in patients diagnosed with another variant in a different gene, with no symptoms related to the gene containing the homozygous variant.

Ambry Genetics
Classification: Uncertain significance for Inborn genetic diseases. Last evaluated: 2024-04-20. Review status: criteria provided, single submitter. Criteria: Ambry Variant Classification Scheme 2023. Collection method: clinical testing. Allele origin: germline.

Blueprint Genetics
Classification: Likely benign. Last evaluated: 2024-03-05. Review status: criteria provided, single submitter. Criteria: ACMG Guidelines, 2015. Collection method: clinical testing. Allele origin: germline.

GeneDx
Classification: Uncertain significance. Last evaluated: 2023-03-21. Review status: criteria provided, single submitter. Criteria: GeneDx Variant Classification Process June 2021. Collection method: clinical testing. Allele origin: germline. Affected: yes.
Comment: In silico analysis supports that this missense variant does not alter protein structure/function; Has not been previously published as pathogenic or benign to our knowledge

Genetic Services Laboratory, University of Chicago
Classification: Uncertain significance. Last evaluated: 2023-03-09. Review status: criteria provided, single submitter. Criteria: ACMG Guidelines, 2015. Collection method: clinical testing. Allele origin: germline. Affected: no.
Comment: DNA sequence analysis of the KIF7 gene demonstrated a sequence change, c.50G>A, in exon 2 that results in an amino acid change, p.Arg17Gln. This sequence change has been described in the gnomAD database with a frequency of 0.051% in the Latino subpopulation (dbSNP rs949983017). The p.Arg17Gln change affects a moderately conserved amino acid residue located in a domain of the KIF7 protein that is known to be functional. The p.Arg17Gln substitution appears to be benign using several in-silico pathogenicity prediction tools (SIFT, PolyPhen2, Align GVGD, REVEL). This sequence change does not appear to have been previously described in individuals with KIF7-related disorders. Due to insufficient evidence and the lack of functional studies, the clinical significance of the p.Arg17Gln change remains unknown at this time.

Labcorp Genetics (formerly Invitae), Labcorp
Classification: Uncertain significance for Acrocallosal syndrome. Last evaluated: 2022-08-23. Review status: criteria provided, single submitter. Criteria: Invitae Variant Classification Sherloc (09022015). Collection method: clinical testing. Allele origin: germline.
Comment: This sequence change replaces arginine, which is basic and polar, with glutamine, which is neutral and polar, at codon 17 of the KIF7 protein (p.Arg17Gln). The frequency data for this variant in the population databases is considered unreliable, as metrics indicate poor data quality at this position in the gnomAD database. This variant has not been reported in the literature in individuals affected with KIF7-related conditions. ClinVar contains an entry for this variant (Variation ID: 1024840). Algorithms developed to predict the effect of missense changes on protein structure and function are either unavailable or do not agree on the potential impact of this missense change (SIFT: "Deleterious"; PolyPhen-2: "Benign"; Align-GVGD: "Class C0"). In summary, the available evidence is currently insufficient to determine the role of this variant in disease. Therefore, it has been classified as a Variant of Uncertain Significance.

Baylor Genetics
Classification: Uncertain significance for Multiple epiphyseal dysplasia, Al-Gazali type. Last evaluated: 2020-07-17. Review status: criteria provided, single submitter. Criteria: ACMG Guidelines, 2015. Collection method: clinical testing. Allele origin: unknown. Affected: yes.
Comment: This variant was determined to be of uncertain significance according to ACMG Guidelines, 2015 [PMID:25741868].